The following is an entry in ClinVar:

NM_002458.3(MUC5B):c.12581G>C (p.Ser4194Thr)

Genes: MUC5B (mucin 5B, oligomeric mucus/gel-forming; plus strand), MUC5B-AS1 (MUC5B antisense RNA 1; minus strand). Cytogenetic location: 11p15.5.
Variant type: single nucleotide variant.
Coding change: c.12581G>C on transcript NM_002458.3 (MANE Select); coding-DNA position 12581, G replaced by C.
Protein change: p.Ser4194Thr; replaces serine 4194 with threonine.
Molecular consequence: missense variant.
Genome position (GRCh38, 1-based): chr11:1,249,461, G>C. VCF-style: chr11-1249461-G-C. GRCh37 (hg19) VCF-style: chr11-1270691-G-C.
Other names: short protein forms S4194T.
Identifiers: ClinVar variation 403200 (VCV000403200.9), dbSNP rs201822010, ClinGen allele CA5808033.

ClinVar aggregate classification (germline): Uncertain significance. Review status: criteria provided, multiple submitters, no conflicts (2 of 4 stars). 3 submissions from 3 submitters: Uncertain significance (2). 1 of the submissions does not count toward it. Last evaluated 2024-10-07.

Allele frequency attached by ClinVar (database versions not stated): 1000 Genomes Project 0.00020; 1000 Genomes Project 30x 0.00047; ExAC 0.00066; gnomAD exomes 0.00073 and 0.00123; gnomAD 0.00086 and 0.00089; TOPMed 0.00090; ESP Exome Variant Server 0.00126.
gnomAD v4.1: 1,911 of 1,611,462 alleles (0.12%); highest among the groups gnomAD compares: Non-Finnish European, 0.15%; 4 homozygotes.

Submissions (3):

Ambry Genetics
Classification: Uncertain significance. Last evaluated: 2024-10-07. Review status: criteria provided, single submitter. Criteria: Ambry Variant Classification Scheme 2023. Collection method: clinical testing. Allele origin: germline.

Laboratory for Molecular Medicine, Mass General Brigham Personalized Medicine
Classification: Uncertain significance. Last evaluated: 2016-03-28. Review status: criteria provided, single submitter. Criteria: LMM Criteria. Collection method: clinical testing. Allele origin: germline.
Comment: Variant identified in a genome or exome case(s) and assessed due to predicted null impact of the variant or pathogenic assertions in the literature or databases. Disclaimer: This variant has not undergone full assessment. The following are preliminary notes: Gene has no clear association with PCD, should be removed from gene list. - OB: One variant in the promoter region has been associated with risk for pulmonary fibrosis. The significance of missense variants is unclear.

Department of Pathology and Laboratory Medicine, Sinai Health System
Classification: Uncertain significance. Review status: no assertion criteria provided. Collection method: clinical testing. Allele origin: unknown. Affected: yes. Study: The Canadian Open Genetics Repository (COGR). Not counted in ClinVar's aggregate classification.